The following is an entry in ClinVar:

ClinVar aggregate classification (germline): Uncertain significance. Review status: criteria provided, multiple submitters, no conflicts (2 of 4 stars). 2 submissions from 2 submitters: Uncertain significance (2). Last evaluated 2025-05-27.

Conditions:
Primary ciliary dyskinesia. Also called: Ciliary dyskinesia. Identifiers: Orphanet 244, MedGen C0008780, MONDO:0016575, HP:0012265.

Allele frequency attached by ClinVar (database versions not stated): gnomAD 0.00006; gnomAD exomes 0.00008; ExAC 0.00010; TOPMed 0.00011.

Submissions (2):

Ambry Genetics
Classification: Uncertain significance for Primary ciliary dyskinesia. Last evaluated: 2025-05-27. Review status: criteria provided, single submitter. Criteria: Ambry Variant Classification Scheme 2023. Collection method: clinical testing. Allele origin: germline.
Comment: The p.N55K variant (also known as c.165C>G), located in coding exon 2 of the CCDC114 gene, results from a C to G substitution at nucleotide position 165. The asparagine at codon 55 is replaced by lysine, an amino acid with similar properties. This amino acid position is conserved. In addition, this alteration is predicted to be tolerated by in silico analysis. Based on the available evidence, the clinical significance of this variant remains unclear.

Labcorp Genetics (formerly Invitae), Labcorp
Classification: Uncertain significance for Primary ciliary dyskinesia. Last evaluated: 2021-09-02. Review status: criteria provided, single submitter. Criteria: Invitae Variant Classification Sherloc (09022015). Collection method: clinical testing. Allele origin: germline.
Comment: This sequence change replaces asparagine with lysine at codon 55 of the CCDC114 protein (p.Asn55Lys). The asparagine residue is weakly conserved and there is a moderate physicochemical difference between asparagine and lysine. This variant is present in population databases (rs753389945, ExAC 0.02%). This variant has not been reported in the literature in individuals affected with CCDC114-related conditions. Algorithms developed to predict the effect of missense changes on protein structure and function (SIFT, PolyPhen-2, Align-GVGD) all suggest that this variant is likely to be tolerated. In summary, the available evidence is currently insufficient to determine the role of this variant in disease. Therefore, it has been classified as a Variant of Uncertain Significance.

NM_001364171.2(ODAD1):c.276C>G (p.Asn92Lys)

Gene: ODAD1 (outer dynein arm docking complex subunit 1; minus strand). Cytogenetic location: 19q13.33.
Variant type: single nucleotide variant.
Coding change: c.276C>G on transcript NM_001364171.2 (MANE Select); coding-DNA position 276, C replaced by G.
Protein change: p.Asn92Lys; replaces asparagine 92 with lysine.
Molecular consequence: missense variant.
Genome position (GRCh38, 1-based): chr19:48,318,471, G>C on the plus strand (C>G on the coding strand, the complement: ODAD1 is on the minus strand). VCF-style: chr19-48318471-G-C. GRCh37 (hg19) VCF-style: chr19-48821728-G-C.
Other names: c.165C>G, p.Asn55Lys (NM_144577.4); short protein forms N55K, N92K.
Identifiers: ClinVar variation 944727 (VCV000944727.8), dbSNP rs753389945, ClinGen allele CA9549068.